The following is an entry in ClinVar:

NM_004260.4(RECQL4):c.978T>A (p.Ser326Arg)

Gene: RECQL4 (RecQ like helicase 4; minus strand). Cytogenetic location: 8q24.3.
Variant type: single nucleotide variant.
Coding change: c.978T>A on transcript NM_004260.4 (MANE Select); coding-DNA position 978, T replaced by A.
Protein change: p.Ser326Arg; replaces serine 326 with arginine.
Molecular consequence: missense variant. On other transcripts: 5 prime UTR variant (16), non-coding transcript variant (3), intron variant (3).
Genome position (GRCh38, 1-based): chr8:144,516,141, A>T on the plus strand (T>A on the coding strand, the complement: RECQL4 is on the minus strand). VCF-style: chr8-144516141-A-T. GRCh37 (hg19) VCF-style: chr8-145741525-A-T.
Other names: c.978T>A, p.Ser326Arg (NM_001413018.1, NM_001413019.1, NM_001413033.1 and 2 more transcripts); c.-94T>A (NM_001413021.1, NM_001413022.1, NM_001413023.1 and 7 more transcripts); c.849T>A, p.Ser283Arg (NM_001413025.1); c.-156T>A (NM_001413027.1, NM_001413030.1, NM_001413031.1 and 2 more transcripts); c.627T>A, p.Ser209Arg (NM_001413029.1); c.-363T>A (NM_001413043.1); c.953+25T>A (NM_001413017.1, NM_001413020.1); c.-23+25T>A (NM_001413034.1); short protein forms S326R, S283R, S209R.
Identifiers: ClinVar variation 3431913 (VCV003431913.1).

ClinVar aggregate classification (germline): Uncertain significance (1 of 4 stars; one submission).

Conditions:
Inborn genetic diseases. Identifiers: MedGen C0950123, MeSH D030342.

Submission:

Ambry Genetics
Classification: Uncertain significance for Inborn genetic diseases. Last evaluated: 2024-12-06. Review status: criteria provided, single submitter. Criteria: Ambry Variant Classification Scheme 2023. Collection method: clinical testing. Allele origin: germline.
Comment: The p.S326R variant (also known as c.978T>A), located in coding exon 5 of the RECQL4 gene, results from a T to A substitution at nucleotide position 978. The serine at codon 326 is replaced by arginine, an amino acid with dissimilar properties. This amino acid position is conserved. In addition, this alteration is predicted to be tolerated by in silico analysis. Based on the available evidence, the clinical significance of this variant remains unclear.